The following is an entry in ClinVar:

NM_000426.4(LAMA2):c.6145A>G (p.Lys2049Glu)

Genes: LAMA2 (laminin subunit alpha 2; plus strand), LOC123864065 (Sharpr-MPRA regulatory region 661; plus strand). Cytogenetic location: 6q22.33.
Variant type: single nucleotide variant.
Coding change: c.6145A>G on transcript NM_000426.4 (MANE Select); coding-DNA position 6145, A replaced by G.
Protein change: p.Lys2049Glu; replaces lysine 2049 with glutamic acid.
Molecular consequence: missense variant.
Genome position (GRCh38, 1-based): chr6:129,440,875, A>G. VCF-style: chr6-129440875-A-G. GRCh37 (hg19) VCF-style: chr6-129762020-A-G.
Other names: c.6145A>G, p.Lys2049Glu (NM_001079823.2); short protein forms K2049E.
Identifiers: ClinVar variation 2070727 (VCV002070727.1), dbSNP rs774208594, ClinGen allele CA146917027.

ClinVar aggregate classification (germline): Uncertain significance (1 of 4 stars; one submission).

Conditions:
LAMA2-related muscular dystrophy (LAMA2-RD). Also called: Laminin alpha 2-related dystrophy. Identifiers: MedGen C5679788, MONDO:0100228.

Allele frequency attached by ClinVar (database versions not stated): gnomAD exomes below 0.00001; TOPMed below 0.00001; gnomAD 0.00001.
gnomAD v4.1: 5 of 1,613,826 alleles (0.00031%); highest among the groups gnomAD compares: Non-Finnish European, 0.00042%; no homozygotes.

Submission:

Labcorp Genetics (formerly Invitae), Labcorp
Classification: Uncertain significance for LAMA2-related muscular dystrophy. Last evaluated: 2021-08-31. Review status: criteria provided, single submitter. Criteria: Invitae Variant Classification Sherloc (09022015). Collection method: clinical testing. Allele origin: germline.
Comment: This sequence change replaces lysine with glutamic acid at codon 2049 of the LAMA2 protein (p.Lys2049Glu). The lysine residue is weakly conserved and there is a small physicochemical difference between lysine and glutamic acid. This variant is not present in population databases (ExAC no frequency). This variant has not been reported in the literature in individuals affected with LAMA2-related conditions. Algorithms developed to predict the effect of missense changes on protein structure and function (SIFT, PolyPhen-2, Align-GVGD) all suggest that this variant is likely to be tolerated. In summary, the available evidence is currently insufficient to determine the role of this variant in disease. Therefore, it has been classified as a Variant of Uncertain Significance.